The following is an entry in ClinVar:

ClinVar aggregate classification (germline): Likely benign (1 of 4 stars; one submission).

Allele frequency attached by ClinVar (database versions not stated): gnomAD exomes 0.00001; ExAC 0.00003.

Submission:

CeGaT Center for Human Genetics Tuebingen
Classification: Likely benign. Last evaluated: 2023-02-01. Review status: criteria provided, single submitter. Criteria: CeGaT Center For Human Genetics Tuebingen Variant Classification Criteria Version 2. Collection method: clinical testing. Allele origin: germline. Affected: yes. Observed: 1 variant allele.
Comment: HMGA2: BS1

NM_003483.6(HMGA2):c.250-36489C>T

Gene: HMGA2 (high mobility group AT-hook 2; plus strand). Cytogenetic location: 12q14.3.
Variant type: single nucleotide variant.
Coding change: c.250-36489C>T on transcript NM_003483.6 (MANE Select); 36489 bases into the intron before coding-DNA position 250, C replaced by T.
Molecular consequence: intron variant. On other transcripts: nonsense (1).
Genome position (GRCh38, 1-based): chr12:65,914,894, C>T. VCF-style: chr12-65914894-C-T. GRCh37 (hg19) VCF-style: chr12-66308674-C-T.
Other names: c.424C>T, p.Arg142Ter (NM_001300919.1); c.250-36489C>T (NM_001300918.1); c.250-165C>T (NM_003484.1); short protein forms R142*.
Identifiers: ClinVar variation 2643164 (VCV002643164.24), dbSNP rs745539688, ClinGen allele CA6671848.
Genomic context (GRCh38, chr12:65,914,894, plus strand): 5'-CCAGCTAATTTTTGTATTTTTAGTAGAGACAGGGTTTCACCATGTTGGCCAGGCTGGTCT[C>T]GAACTCCTGACCTCAGGTGAGCCACCCACCTTGGCCTCTCAAAGTGCTGGGAATACAGGC-3'